The following is an entry in ClinVar:

ClinVar aggregate classification (germline): Uncertain significance (1 of 4 stars; one submission).

Conditions:
Duchenne muscular dystrophy (DMD). Also called: MUSCULAR DYSTROPHY, PSEUDOHYPERTROPHIC PROGRESSIVE, DUCHENNE TYPE; Duchenne Muscular Dystrophy (DMD). Identifiers: Orphanet 98896, MedGen C0013264, MONDO:0010679, OMIM 310200.

Submission:

Labcorp Genetics (formerly Invitae), Labcorp
Classification: Uncertain significance for Duchenne muscular dystrophy. Last evaluated: 2024-01-02. Review status: criteria provided, single submitter. Criteria: Invitae Variant Classification Sherloc (09022015). Collection method: clinical testing. Allele origin: germline.
Comment: This sequence change replaces histidine, which is basic and polar, with aspartic acid, which is acidic and polar, at codon 1748 of the DMD protein (p.His1748Asp). This variant is not present in population databases (gnomAD no frequency). This variant has not been reported in the literature in individuals affected with DMD-related conditions. Advanced modeling of protein sequence and biophysical properties (such as structural, functional, and spatial information, amino acid conservation, physicochemical variation, residue mobility, and thermodynamic stability) performed at Invitae indicates that this missense variant is not expected to disrupt DMD protein function with a negative predictive value of 95%. In summary, the available evidence is currently insufficient to determine the role of this variant in disease. Therefore, it has been classified as a Variant of Uncertain Significance.

NM_004006.3(DMD):c.5242C>G (p.His1748Asp)

Gene: DMD (dystrophin; minus strand). Cytogenetic location: Xp21.1.
Variant type: single nucleotide variant.
Coding change: c.5242C>G on transcript NM_004006.3 (MANE Select); coding-DNA position 5242, C replaced by G.
Protein change: p.His1748Asp; replaces histidine 1748 with aspartic acid.
Molecular consequence: missense variant.
Genome position (GRCh38, 1-based): chrX:32,362,871, G>C on the plus strand (C>G on the coding strand, the complement: DMD is on the minus strand). VCF-style: chrX-32362871-G-C. GRCh37 (hg19) VCF-style: chrX-32380988-G-C.
Other names: c.5218C>G, p.His1740Asp (NM_000109.4); c.5230C>G, p.His1744Asp (NM_004009.3); c.4873C>G, p.His1625Asp (NM_004010.3); c.1219C>G, p.His407Asp (NM_004011.4); c.1210C>G, p.His404Asp (NM_004012.4); short protein forms H404D, H1740D, H1744D, H1625D, H407D, H1748D.
Identifiers: ClinVar variation 2898735 (VCV002898735.3), dbSNP rs2522500216, ClinGen allele CA412671211.